The following is an entry in ClinVar:

ClinVar aggregate classification (germline): Conflicting classifications of pathogenicity. Review status: criteria provided, conflicting classifications (1 of 4 stars). 2 submissions from 2 submitters: Uncertain significance (1); Likely benign (1). Last evaluated 2023-06-05.

Conditions:
Hereditary motor and sensory neuropathy, Okinawa type (HMSNO). Also called: HEREDITARY MOTOR AND SENSORY NEUROPATHY, PROXIMAL TYPE. Identifiers: Orphanet 90117, MedGen C1858338, MONDO:0011468, OMIM 604484.
Hereditary spastic paraplegia 57. Also called: Spastic paraplegia 57, autosomal recessive. Identifiers: Orphanet 431329, MedGen C3714897, MONDO:0014295, OMIM 615658.

Allele frequency attached by ClinVar (database versions not stated): ExAC 0.00001; gnomAD 0.00001; TOPMed 0.00001.
gnomAD v4.1: 1 of 1,613,130 alleles (0.000062%); highest among the groups gnomAD compares: Non-Finnish European, 0.000085%; no homozygotes.

Submissions (2):

Labcorp Genetics (formerly Invitae), Labcorp
Classification: Likely benign for Hereditary motor and sensory neuropathy, Okinawa type; Hereditary spastic paraplegia 57. Last evaluated: 2023-06-05. Review status: criteria provided, single submitter. Criteria: Invitae Variant Classification Sherloc (09022015). Collection method: clinical testing. Allele origin: germline.

GeneDx
Classification: Uncertain significance. Last evaluated: 2022-10-17. Review status: criteria provided, single submitter. Criteria: GeneDx Variant Classification Process June 2021. Collection method: clinical testing. Allele origin: germline. Affected: yes.
Comment: Not observed at significant frequency in large population cohorts (gnomAD); In silico analysis supports that this variant does not alter splicing; Has not been previously published as pathogenic or benign to our knowledge

NM_006070.6(TFG):c.325C>T (p.Leu109=)

Gene: TFG (trafficking from ER to golgi regulator; plus strand). Cytogenetic location: 3q12.2.
Variant type: single nucleotide variant.
Coding change: c.325C>T on transcript NM_006070.6 (MANE Select); coding-DNA position 325, C replaced by T.
Protein change: p.Leu109=; no amino-acid change (leucine 109 retained).
Molecular consequence: synonymous variant.
Genome position (GRCh38, 1-based): chr3:100,728,768, C>T. VCF-style: chr3-100728768-C-T. GRCh37 (hg19) VCF-style: chr3-100447612-C-T.
Other names: c.325C>T (NM_006070.5); c.325C>T, p.Leu109= (NM_001007565.2, NM_001195478.2, NM_001195479.2).
Identifiers: ClinVar variation 1986386 (VCV001986386.5), dbSNP rs759168672, ClinGen allele CA2517052.